The following is an entry in ClinVar:

ClinVar aggregate classification (germline): Uncertain significance (1 of 4 stars; one submission).

Conditions:
Hereditary spastic paraplegia 7 (SPG7). Also called: Autosomal recessive spastic paraplegia type 7; SPASTIC PARAPLEGIA 7, AUTOSOMAL RECESSIVE, WITH OR WITHOUT CEREBELLAR ATAXIA; Spastic paraplegia 7; Hereditary spastic paraplegia Paraplegin type; SPG7-related neurologic disorder. Identifiers: Orphanet 99013, MedGen C1846564, MONDO:0011803, OMIM 607259.

Allele frequency attached by ClinVar (database versions not stated): gnomAD exomes 0.00001; TOPMed 0.00003.
gnomAD v4.1: 19 of 1,614,132 alleles (0.0012%); highest among the groups gnomAD compares: Non-Finnish European, 0.0015%; no homozygotes.

Submission:

Labcorp Genetics (formerly Invitae), Labcorp
Classification: Uncertain significance for Hereditary spastic paraplegia 7. Last evaluated: 2023-10-06. Review status: criteria provided, single submitter. Criteria: Invitae Variant Classification Sherloc (09022015). Collection method: clinical testing. Allele origin: germline.
Comment: This sequence change replaces proline, which is neutral and non-polar, with threonine, which is neutral and polar, at codon 242 of the SPG7 protein (p.Pro242Thr). This variant is present in population databases (rs200135308, gnomAD 0.0009%). This variant has not been reported in the literature in individuals affected with SPG7-related conditions. Advanced modeling of protein sequence and biophysical properties (such as structural, functional, and spatial information, amino acid conservation, physicochemical variation, residue mobility, and thermodynamic stability) performed at Invitae indicates that this missense variant is not expected to disrupt SPG7 protein function. In summary, the available evidence is currently insufficient to determine the role of this variant in disease. Therefore, it has been classified as a Variant of Uncertain Significance.

NM_003119.4(SPG7):c.724C>A (p.Pro242Thr)

Gene: SPG7 (SPG7 matrix AAA peptidase subunit, paraplegin; plus strand). Cytogenetic location: 16q24.3.
Variant type: single nucleotide variant.
Coding change: c.724C>A on transcript NM_003119.4 (MANE Select); coding-DNA position 724, C replaced by A.
Protein change: p.Pro242Thr; replaces proline 242 with threonine.
Molecular consequence: missense variant.
Genome position (GRCh38, 1-based): chr16:89,526,434, C>A. VCF-style: chr16-89526434-C-A. GRCh37 (hg19) VCF-style: chr16-89592842-C-A.
Other names: c.724C>A, p.Pro242Thr (NM_001363850.1, NM_199367.3); short protein forms P242T.
Identifiers: ClinVar variation 2737926 (VCV002737926.3), dbSNP rs200135308, ClinGen allele CA286538901.